The following is an entry in ClinVar:

ClinVar aggregate classification (germline): Uncertain significance (1 of 4 stars; one submission).

Conditions:
Early Myoclonic Encephalopathy. Identifiers: MedGen C0270855.

Submission:

Labcorp Genetics (formerly Invitae), Labcorp
Classification: Uncertain significance for Early Myoclonic Encephalopathy. Last evaluated: 2025-05-01. Review status: criteria provided, single submitter. Criteria: Invitae Variant Classification Sherloc (09022015). Collection method: clinical testing. Allele origin: germline.
Comment: This sequence change replaces valine, which is neutral and non-polar, with alanine, which is neutral and non-polar, at codon 3 of the JMJD1C protein (p.Val3Ala). This variant is not present in population databases (gnomAD no frequency). This variant has not been reported in the literature in individuals affected with JMJD1C-related conditions. An algorithm developed to predict the effect of missense changes on protein structure and function (PolyPhen-2) suggests that this variant is likely to be tolerated. In summary, the available evidence is currently insufficient to determine the role of this variant in disease. Therefore, it has been classified as a Variant of Uncertain Significance.

NM_032776.3(JMJD1C):c.8T>C (p.Val3Ala)

Genes: JMJD1C (jumonji domain containing 1C; minus strand), JMJD1C-AS1 (JMJD1C antisense RNA 1; plus strand). Cytogenetic location: 10q21.3.
Variant type: single nucleotide variant.
Coding change: c.8T>C on transcript NM_032776.3 (MANE Select); coding-DNA position 8, T replaced by C.
Protein change: p.Val3Ala; replaces valine 3 with alanine.
Molecular consequence: missense variant. On other transcripts: non-coding transcript variant (1), intron variant (2).
Genome position (GRCh38, 1-based): chr10:63,465,655, A>G on the plus strand (T>C on the coding strand, the complement: JMJD1C is on the minus strand). VCF-style: chr10-63465655-A-G. GRCh37 (hg19) VCF-style: chr10-65225415-A-G.
Other names: c.8T>C, p.Val3Ala (NM_001322252.2); c.-384+56083T>C (NM_001322258.2); c.-379+56083T>C (NM_001318154.2); short protein forms V3A.
Identifiers: ClinVar variation 4697039 (VCV004697039.1).